The following is an entry in ClinVar:

NM_000143.4(FH):c.-2C>G

Gene: FH (fumarate hydratase; minus strand). Cytogenetic location: 1q43.
Variant type: single nucleotide variant.
Coding change: c.-2C>G on transcript NM_000143.4 (MANE Select); 2 bases upstream of the start codon, C replaced by G.
Molecular consequence: 5 prime UTR variant.
Genome position (GRCh38, 1-based): chr1:241,519,724, G>C on the plus strand (C>G on the coding strand, the complement: FH is on the minus strand). VCF-style: chr1-241519724-G-C. GRCh37 (hg19) VCF-style: chr1-241683024-G-C.
Identifiers: ClinVar variation 3278717 (VCV003278717.1).

ClinVar aggregate classification (germline): Uncertain significance (1 of 4 stars; one submission).

Conditions:
Hereditary cancer-predisposing syndrome. Also called: Tumor predisposition; Hereditary Cancer Syndrome; Hereditary neoplastic syndrome; Neoplastic Syndromes, Hereditary. Identifiers: Orphanet 140162, MedGen C0027672, MeSH D009386, MONDO:0015356.

gnomAD v4.1: 2 of 1,534,320 alleles (0.00013%); highest among the groups gnomAD compares: African/African-American, 0.0014%; no homozygotes.

Submission:

Ambry Genetics
Classification: Uncertain significance for Hereditary cancer-predisposing syndrome. Last evaluated: 2024-04-08. Review status: criteria provided, single submitter. Criteria: Ambry Variant Classification Scheme 2023. Collection method: clinical testing. Allele origin: germline.
Comment: The c.-2C>G variant is located in the 5' untranslated region (5&rsquo; UTR) of the FH gene. This variant results from a C to G substitution 2 bases upstream from the first translated codon. This nucleotide position is well conserved in available vertebrate species. Based on the available evidence, the clinical significance of this variant remains unclear.